The following is an entry in ClinVar:

ClinVar aggregate classification (germline): Conflicting classifications of pathogenicity. Review status: criteria provided, conflicting classifications (1 of 4 stars). 2 submissions from 2 submitters: Likely pathogenic (1); Uncertain significance (1). Last evaluated 2024-10-01.

Conditions:
Neurodevelopmental abnormality. Identifiers: MedGen C4022737, HP:0012759.

Submissions (2):

Clinical Genetics Laboratory, Skane University Hospital Lund
Classification: Likely pathogenic for Neurodevelopmental abnormality. Last evaluated: 2024-10-01. Review status: criteria provided, single submitter. Criteria: ACMG Guidelines, 2015. Collection method: clinical testing. Allele origin: de novo. Affected: yes.
Comment: De novo heterozygous. ACMG criteria used: PS2, PM2, PP3

Blueprint Genetics
Classification: Uncertain significance. Last evaluated: 2024-02-16. Review status: criteria provided, single submitter. Criteria: ACMG Guidelines, 2015. Collection method: clinical testing. Allele origin: germline.

NM_006618.5(KDM5B):c.85C>T (p.Pro29Ser)

Gene: KDM5B (lysine demethylase 5B; minus strand). Cytogenetic location: 1q32.1.
Variant type: single nucleotide variant.
Coding change: c.85C>T on transcript NM_006618.5 (MANE Select); coding-DNA position 85, C replaced by T.
Protein change: p.Pro29Ser; replaces proline 29 with serine.
Molecular consequence: missense variant.
Genome position (GRCh38, 1-based): chr1:202,808,221, G>A on the plus strand (C>T on the coding strand, the complement: KDM5B is on the minus strand). VCF-style: chr1-202808221-G-A. GRCh37 (hg19) VCF-style: chr1-202777349-G-A.
Other names: c.85C>T, p.Pro29Ser (NM_001314042.2, NM_001347591.2, NM_001399817.1); short protein forms P29S.
Identifiers: ClinVar variation 3769598 (VCV003769598.2).